The following is an entry in ClinVar:

ClinVar aggregate classification (germline): Uncertain significance (1 of 4 stars; one submission).

Conditions:
Hyperekplexia 2 (HKPX2). Identifiers: Orphanet 3197, MedGen C3553291, MONDO:0013828, OMIM 614619.

Allele frequency attached by ClinVar (database versions not stated): TOPMed below 0.00001; ExAC 0.00001; gnomAD 0.00001; gnomAD exomes 0.00001.
gnomAD v4.1: 20 of 1,474,098 alleles (0.0014%); highest among the groups gnomAD compares: Non-Finnish European, 0.0017%; no homozygotes.

Submission:

Labcorp Genetics (formerly Invitae), Labcorp
Classification: Uncertain significance for Hyperekplexia 2. Last evaluated: 2021-04-03. Review status: criteria provided, single submitter. Criteria: Invitae Variant Classification Sherloc (09022015). Collection method: clinical testing. Allele origin: germline.
Comment: This sequence change replaces isoleucine with threonine at codon 238 of the GLRB protein (p.Ile238Thr). The isoleucine residue is highly conserved and there is a moderate physicochemical difference between isoleucine and threonine. This variant is present in population databases (rs752853387, ExAC 0.002%). This variant has not been reported in the literature in individuals with GLRB-related conditions. Advanced modeling of protein sequence and biophysical properties (such as structural, functional, and spatial information, amino acid conservation, physicochemical variation, residue mobility, and thermodynamic stability) performed at Invitae indicates that this missense variant is not expected to disrupt GLRB protein function. In summary, the available evidence is currently insufficient to determine the role of this variant in disease. Therefore, it has been classified as a Variant of Uncertain Significance.

NM_000824.5(GLRB):c.713T>C (p.Ile238Thr)

Gene: GLRB (glycine receptor beta; plus strand). Cytogenetic location: 4q32.1.
Variant type: single nucleotide variant.
Coding change: c.713T>C on transcript NM_000824.5 (MANE Select); coding-DNA position 713, T replaced by C.
Protein change: p.Ile238Thr; replaces isoleucine 238 with threonine.
Molecular consequence: missense variant.
Genome position (GRCh38, 1-based): chr4:157,138,911, T>C. VCF-style: chr4-157138911-T-C. GRCh37 (hg19) VCF-style: chr4-158060063-T-C.
Other names: c.713T>C, p.Ile238Thr (NM_001166060.2, NM_001166061.2); short protein forms I238T.
Identifiers: ClinVar variation 1414999 (VCV001414999.8), dbSNP rs752853387, ClinGen allele CA3119846.
Genomic context (GRCh38, chr4:157,138,911, plus strand): 5'-GAGATCCTGTGCAATTAGAAAAAATTGCCTTGCCTCAATTTGATATCAAAAAGGAAGATA[T>C]TGAATATGGTAACTGTACAAAATACTATAAAGGCACGGGTAAGTAATATTCTTTAAATAA-3'
Protein context (NP_000815.1, residues 228-248): LPQFDIKKED[Ile238Thr]EYGNCTKYYK